The following is an entry in ClinVar:

NC_000019.9:g.(?_44011002)_(45213778_?)dup

Genes: CADM4 (cell adhesion molecule 4; minus strand), CEACAM16 (CEA cell adhesion molecule 16, tectorial membrane component; plus strand), CEACAM19 (CEA cell adhesion molecule 19; plus strand), CEACAM20 (CEA cell adhesion molecule 20; minus strand), ETHE1 (ETHE1 persulfide dioxygenase; minus strand) and 34 more. Cytogenetic location: 19q13.31-13.32.
Variant type: Duplication.
Identifiers: ClinVar variation 2425936 (VCV002425936.3).

ClinVar aggregate classification (germline): Uncertain significance (1 of 4 stars; one submission).

Conditions:
Ethylmalonic encephalopathy (EE). Also called: EPEMA syndrome; Encephalopathy, petechiae, and ethylmalonic aciduria; Syndrome of encephalopathy, petechiae, and ethylmalonic aciduria. Identifiers: Orphanet 51188, MedGen C1865349, MONDO:0011229, OMIM 602473. Disease mechanism: loss of function.

Submission:

Labcorp Genetics (formerly Invitae), Labcorp
Classification: Uncertain significance for Ethylmalonic encephalopathy. Last evaluated: 2022-08-11. Review status: criteria provided, single submitter. Criteria: Invitae Variant Classification Sherloc (09022015). Collection method: clinical testing. Allele origin: germline.
Comment: A copy number gain of the genomic region encompassing the full coding sequence of the ETHE1 gene has been identified. The boundaries of this event are unknown as they extend beyond the assayed region for this gene and therefore may encompass additional genes. As the precise location of this event is unknown, it may be in tandem or it may be located elsewhere in the genome. This variant has not been reported in the literature in individuals affected with ETHE1-related conditions. In summary, the available evidence is currently insufficient to determine the role of this variant in disease. Therefore, it has been classified as a Variant of Uncertain Significance.